The following is an entry in ClinVar:

NM_001378414.1(HDAC4):c.70C>T (p.Arg24Cys)

Gene: HDAC4 (histone deacetylase 4; minus strand). Cytogenetic location: 2q37.3.
Variant type: single nucleotide variant.
Coding change: c.70C>T on transcript NM_001378414.1 (MANE Select); coding-DNA position 70, C replaced by T.
Protein change: p.Arg24Cys; replaces arginine 24 with cysteine.
Molecular consequence: missense variant.
Genome position (GRCh38, 1-based): chr2:239,236,617, G>A on the plus strand (C>T on the coding strand, the complement: HDAC4 is on the minus strand). VCF-style: chr2-239236617-G-A. GRCh37 (hg19) VCF-style: chr2-240158313-G-A.
Other names: c.70C>T, p.Arg24Cys (NM_001378415.1, NM_001378416.1, NM_001378417.1 and 1 more transcripts); short protein forms R24C.
Identifiers: ClinVar variation 871015 (VCV000871015.42), dbSNP rs1180905679, ClinGen allele CA351463533.

ClinVar aggregate classification (germline): Uncertain significance. Review status: criteria provided, multiple submitters, no conflicts (2 of 4 stars). 2 submissions from 2 submitters: Uncertain significance (2). Last evaluated 2025-12-01.

Allele frequency attached by ClinVar (database versions not stated): TOPMed 0.00003.
gnomAD v4.1: 15 of 1,551,624 alleles (0.00097%); highest among the groups gnomAD compares: African/African-American, 0.0027%; no homozygotes.

Submissions (2):

Labcorp Genetics (formerly Invitae), Labcorp
Classification: Uncertain significance. Last evaluated: 2025-12-01. Review status: criteria provided, single submitter. Criteria: Invitae Variant Classification Sherloc (09022015). Collection method: clinical testing. Allele origin: germline.
Comment: This sequence change replaces arginine, which is basic and polar, with cysteine, which is neutral and slightly polar, at codon 24 of the HDAC4 protein (p.Arg24Cys). This variant is not present in population databases (gnomAD no frequency). This variant has not been reported in the literature in individuals affected with HDAC4-related conditions. ClinVar contains an entry for this variant (Variation ID: 871015). An algorithm developed to predict the effect of missense changes on protein structure and function (PolyPhen-2) suggests that this variant is likely to be tolerated. In summary, the available evidence is currently insufficient to determine the role of this variant in disease. Therefore, it has been classified as a Variant of Uncertain Significance.

CeGaT Center for Human Genetics Tuebingen
Classification: Uncertain significance. Last evaluated: 2019-08-01. Review status: criteria provided, single submitter. Criteria: CeGaT Center For Human Genetics Tuebingen Variant Classification Criteria Version 2. Collection method: clinical testing. Allele origin: germline. Affected: yes. Observed: 2 variant alleles.